The following is an entry in ClinVar:

ClinVar aggregate classification (germline): Likely benign (1 of 4 stars; one submission).

Conditions:
Citrullinemia type I (CTNL1). Also called: ASS DEFICIENCY; argininosuccinate synthetase deficiency. Identifiers: Orphanet 247525, MedGen C4721769, MONDO:0008988, OMIM 215700.

Allele frequency attached by ClinVar (database versions not stated): gnomAD 0.00442 and 0.00465; 1000 Genomes Project 0.00379; TOPMed 0.00458; 1000 Genomes Project 30x 0.00531; gnomAD exomes 0.00781.
gnomAD v4.1: 665 of 152,308 alleles (0.44%); highest among the groups gnomAD compares: African/African-American, 1.5%; 9 homozygotes.

Submission:

Illumina Laboratory Services, Illumina
Classification: Likely benign for Citrullinemia type I. Last evaluated: 2018-01-12. Review status: criteria provided, single submitter. Criteria: ICSL Variant Classification Criteria 13 December 2019. Collection method: clinical testing. Allele origin: germline.
Comment: This variant was observed in the ICSL laboratory as part of a predisposition screen in an ostensibly healthy population. It had not been previously curated by ICSL or reported in the Human Gene Mutation Database (HGMD: prior to June 1st, 2018), and was therefore a candidate for classification through an automated scoring system. Utilizing variant allele frequency, disease prevalence and penetrance estimates, and inheritance mode, an automated score was calculated to assess if this variant is too frequent to cause the disease. Based on the score and internal cut-off values, a variant classified as likely benign is not then subjected to further curation. The score for this variant resulted in a classification of likely benign for this disease.

NM_054012.3(ASS1):c.-175G>A

Genes: ASS1 (argininosuccinate synthase 1; plus strand), LOC130002809 (ATAC-STARR-seq lymphoblastoid silent region 20401; plus strand). Cytogenetic location: 9q34.11.
Variant type: single nucleotide variant.
Coding change: c.-175G>A on transcript NM_054012.3; 175 bases upstream of the start codon, G replaced by A.
Molecular consequence: 5 prime UTR variant (on NM_000050.4).
Genome position (GRCh38, 1-based): chr9:130,444,826, G>A. VCF-style: chr9-130444826-G-A. GRCh37 (hg19) VCF-style: chr9-133320213-G-A.
Other names: c.-237G>A (NM_000050.4).
Identifiers: ClinVar variation 913080 (VCV000913080.6), dbSNP rs569832736, ClinGen allele CA200597900.